The following is an entry in ClinVar:

ClinVar aggregate classification (germline): Uncertain significance. Review status: criteria provided, multiple submitters, no conflicts (2 of 4 stars). 5 submissions from 5 submitters: Uncertain significance (5). Last evaluated 2024-09-15.

Conditions:
PRKG1-related disorder. Also called: PRKG1-related condition.
Aortic aneurysm, familial thoracic 8 (AAT8). Identifiers: MedGen C3809513, MONDO:0014187, OMIM 615436.
Familial thoracic aortic aneurysm and aortic dissection (TAAD). Also called: Thoracic aortic aneurysms and dissections. Identifiers: Orphanet 91387, MedGen C4707243, MONDO:0019625.

Allele frequency attached by ClinVar (database versions not stated): ExAC 0.00002.
gnomAD v4.1: 14 of 1,611,244 alleles (0.00087%); highest among the groups gnomAD compares: Middle Eastern, 0.017%; no homozygotes.

Submissions (5):

Labcorp Genetics (formerly Invitae), Labcorp
Classification: Uncertain significance for Aortic aneurysm, familial thoracic 8. Last evaluated: 2024-09-15. Review status: criteria provided, single submitter. Criteria: Invitae Variant Classification Sherloc (09022015). Collection method: clinical testing. Allele origin: germline.
Comment: This sequence change replaces aspartic acid, which is acidic and polar, with histidine, which is basic and polar, at codon 107 of the PRKG1 protein (p.Asp107His). This variant is present in population databases (rs751916382, gnomAD 0.007%). This variant has not been reported in the literature in individuals affected with PRKG1-related conditions. ClinVar contains an entry for this variant (Variation ID: 477777). An algorithm developed to predict the effect of missense changes on protein structure and function (PolyPhen-2) suggests that this variant is likely to be tolerated. In summary, the available evidence is currently insufficient to determine the role of this variant in disease. Therefore, it has been classified as a Variant of Uncertain Significance.

PreventionGenetics, part of Exact Sciences
Classification: Uncertain significance for PRKG1-related condition. Last evaluated: 2023-03-09. Review status: criteria provided, single submitter. Criteria: ACMG Guidelines, 2015. Collection method: clinical testing. Allele origin: germline.
Comment: The PRKG1 c.319G>C variant is predicted to result in the amino acid substitution p.Asp107His. To our knowledge, this variant has not been reported in the literature. This variant is reported in 0.0066% of alleles in individuals of South Asian descent in gnomAD. At this time, the clinical significance of this variant is uncertain due to the absence of conclusive functional and genetic evidence.

Revvity Omics, Revvity
Classification: Uncertain significance for Aortic aneurysm, familial thoracic 8. Last evaluated: 2019-09-03. Review status: criteria provided, single submitter. Criteria: ACMG Guidelines, 2015. Collection method: clinical testing. Allele origin: germline.

GeneDx
Classification: Uncertain significance. Last evaluated: 2019-02-08. Review status: criteria provided, single submitter. Criteria: GeneDx Variant Classification Process June 2021. Collection method: clinical testing. Allele origin: germline. Affected: yes.
Comment: Not observed at a significant frequency in large population cohorts (Lek et al., 2016).; In silico analysis, which includes protein predictors and evolutionary conservation, supports that this variant does not alter protein structure/function; D107H reported as a variant of uncertain significance by another laboratory in ClinVar (SCV000659233.1; Landrum et al., 2016).; The D107H variant has not been published as pathogenic or been reported as benign to our knowledge.

Ambry Genetics
Classification: Uncertain significance for Familial thoracic aortic aneurysm and aortic dissection. Last evaluated: 2018-03-30. Review status: criteria provided, single submitter. Criteria: Ambry Variant Classification Scheme 2023. Collection method: clinical testing. Allele origin: germline.
Comment: The p.D107H variant (also known as c.319G>C), located in coding exon 2 of the PRKG1 gene, results from a G to C substitution at nucleotide position 319. The aspartic acid at codon 107 is replaced by histidine, an amino acid with similar properties. This amino acid position is not well conserved in available vertebrate species. In addition, the in silico prediction for this alteration is inconclusive. Since supporting evidence is limited at this time, the clinical significance of this alteration remains unclear.

NM_006258.4(PRKG1):c.319G>C (p.Asp107His)

Gene: PRKG1 (protein kinase cGMP-dependent 1; plus strand). Cytogenetic location: 10q21.1.
Variant type: single nucleotide variant.
Coding change: c.319G>C on transcript NM_006258.4 (MANE Select); coding-DNA position 319, G replaced by C.
Protein change: p.Asp107His; replaces aspartic acid 107 with histidine.
Molecular consequence: missense variant.
Genome position (GRCh38, 1-based): chr10:51,153,171, G>C. VCF-style: chr10-51153171-G-C. GRCh37 (hg19) VCF-style: chr10-52912931-G-C.
Other names: c.274G>C, p.Asp92His (LRG_1135t2, NM_001098512.3); c.319G>C, p.Asp107His (LRG_1135t1); short protein forms D107H, D92H.
Identifiers: ClinVar variation 477777 (VCV000477777.15), dbSNP rs751916382, ClinGen allele CA5503113.